The following is an entry in ClinVar:

ClinVar aggregate classification (germline): Uncertain significance (1 of 4 stars; one submission).

Conditions:
Short-rib thoracic dysplasia 14 with polydactyly (SRTD14). Identifiers: Orphanet 397715, MedGen C4225286, MONDO:0014688, OMIM 616546.
Joubert syndrome 23 (JBTS23). Identifiers: Orphanet 475, MedGen C4084822, MONDO:0014664, OMIM 616490.

gnomAD v4.1: 2 of 1,586,120 alleles (0.00013%); highest among the groups gnomAD compares: Non-Finnish European, 0.00017%; no homozygotes.

Submission:

Labcorp Genetics (formerly Invitae), Labcorp
Classification: Uncertain significance for Joubert syndrome 23; Short-rib thoracic dysplasia 14 with polydactyly. Last evaluated: 2025-08-08. Review status: criteria provided, single submitter. Criteria: Invitae Variant Classification Sherloc (09022015). Collection method: clinical testing. Allele origin: germline.
Comment: This sequence change replaces isoleucine, which is neutral and non-polar, with phenylalanine, which is neutral and non-polar, at codon 1015 of the KIAA0586 protein (p.Ile1015Phe). The frequency data for this variant in the population databases is considered unreliable, as metrics indicate poor data quality at this position in the gnomAD database. This variant has not been reported in the literature in individuals affected with KIAA0586-related conditions. Invitae Evidence Modeling of protein sequence and biophysical properties (such as structural, functional, and spatial information, amino acid conservation, physicochemical variation, residue mobility, and thermodynamic stability) indicates that this missense variant is not expected to disrupt KIAA0586 protein function with a negative predictive value of 80%. In summary, the available evidence is currently insufficient to determine the role of this variant in disease. Therefore, it has been classified as a Variant of Uncertain Significance.

NM_001329943.3(KIAA0586):c.2884A>T (p.Ile962Phe)

Gene: KIAA0586 (KIAA0586; plus strand). Cytogenetic location: 14q23.1.
Variant type: single nucleotide variant.
Coding change: c.2884A>T on transcript NM_001329943.3 (MANE Select); coding-DNA position 2884, A replaced by T.
Protein change: p.Ile962Phe; replaces isoleucine 962 with phenylalanine.
Molecular consequence: missense variant.
Genome position (GRCh38, 1-based): chr14:58,477,181, A>T. VCF-style: chr14-58477181-A-T. GRCh37 (hg19) VCF-style: chr14-58943899-A-T.
Other names: c.3043A>T, p.Ile1015Phe (NM_001244189.2); c.2839A>T, p.Ile947Phe (NM_001244190.2); c.2629A>T, p.Ile877Phe (NM_001244191.2, NM_001329945.2, NM_001364700.1 and 1 more transcripts); c.2752A>T, p.Ile918Phe (NM_001244192.2); c.2464A>T, p.Ile822Phe (NM_001244193.2); c.2884A>T, p.Ile962Phe (NM_001329944.2, NM_001329946.2, NM_001329947.2); c.2656A>T, p.Ile886Phe (NM_014749.5); short protein forms I822F, I1015F, I886F, I877F, I918F, I947F, I962F.
Identifiers: ClinVar variation 4794222 (VCV004794222.1).